The following is an entry in ClinVar:

ClinVar aggregate classification (germline): Benign/Likely benign. Review status: criteria provided, multiple submitters, no conflicts (2 of 4 stars). 9 submissions from 9 submitters: Benign (5); Likely benign (4). Last evaluated 2026-06-12.

Conditions:
Charcot-Marie-Tooth disease axonal type 2S. Also called: CHARCOT-MARIE-TOOTH DISEASE, AXONAL, AUTOSOMAL RECESSIVE, TYPE 2S; CHARCOT-MARIE-TOOTH NEUROPATHY, TYPE 2S. Identifiers: Orphanet 443073, MedGen C4015349, MONDO:0014511, OMIM 616155.
Autosomal recessive distal spinal muscular atrophy 1. Also called: NEURONOPATHY, DISTAL HEREDITARY MOTOR, HARDING TYPE VI; NEUROPATHY, DISTAL HEREDITARY MOTOR, AUTOSOMAL RECESSIVE 1; NEURONOPATHY, SEVERE INFANTILE AXONAL, WITH RESPIRATORY FAILURE; SEVERE INFANTILE AXONAL NEUROPATHY WITH RESPIRATORY FAILURE; SPINAL MUSCULAR ATROPHY, DIAPHRAGMATIC; Spinal muscular atrophy with respiratory distress 1. Identifiers: Orphanet 98920, MedGen C1858517, MONDO:0011436, OMIM 604320.
Charcot-Marie-Tooth disease. Also called: Charcot-Marie-Tooth Hereditary Neuropathy; Charcot-Marie-Tooth Neuropathy. Identifiers: Orphanet 166, MedGen C0007959, MONDO:0015626.

Allele frequency attached by ClinVar (database versions not stated): gnomAD 0.00392; ESP Exome Variant Server 0.00570; 1000 Genomes Project 30x 0.00344; 1000 Genomes Project 0.00359.
gnomAD v4.1: 1,218 of 1,613,182 alleles (0.076%); highest among the groups gnomAD compares: African/African-American, 1.4%; 8 homozygotes.

Submissions (9):

Women's Health and Genetics/Laboratory Corporation of America, LabCorp
Classification: Likely benign. Last evaluated: 2026-06-12. Review status: criteria provided, single submitter. Criteria: LabCorp Variant Classification Summary - May 2015. Collection method: clinical testing. Allele origin: germline.
Comment: Variant summary: IGHMBP2 c.1294G>A (p.Ala432Thr) results in a non-conservative amino acid change in the encoded protein sequence. Algorithms developed to predict the effect of missense changes on protein structure and function are either unavailable or do not agree on the potential impact of this missense change. The variant allele was found at a frequency of 0.001 in 248084 control chromosomes, predominantly at a frequency of 0.014 within the African or African-American subpopulation in the gnomAD database, including 2 homozygotes. The observed variant frequency within African or African-American control individuals in the gnomAD database exceeds the estimated maximal expected allele frequency for disease-causing variants in IGHMBP2. To our knowledge, no occurrence of c.1294G>A in individuals affected with IGHMBP2-related conditions and no experimental evidence demonstrating its impact on protein function have been reported. ClinVar contains an entry for this variant (Variation ID: 386157). Based on the evidence outlined above, the variant was classified as likely benign.

Labcorp Genetics (formerly Invitae), Labcorp
Classification: Benign for Autosomal recessive distal spinal muscular atrophy 1; Charcot-Marie-Tooth disease axonal type 2S. Last evaluated: 2026-01-26. Review status: criteria provided, single submitter. Criteria: Invitae Variant Classification Sherloc (09022015). Collection method: clinical testing. Allele origin: germline.

CeGaT Center for Human Genetics Tuebingen
Classification: Benign. Last evaluated: 2023-04-01. Review status: criteria provided, single submitter. Criteria: CeGaT Center For Human Genetics Tuebingen Variant Classification Criteria Version 2. Collection method: clinical testing. Allele origin: germline. Affected: yes. Observed: 1 variant allele.
Comment: IGHMBP2: BP4, BS1, BS2

Fulgent Genetics
Classification: Likely benign for Autosomal recessive distal spinal muscular atrophy 1; Charcot-Marie-Tooth disease axonal type 2S. Last evaluated: 2021-09-16. Review status: criteria provided, single submitter. Criteria: ACMG Guidelines, 2015. Collection method: clinical testing. Allele origin: unknown.

Mayo Clinic Laboratories, Mayo Clinic
Classification: Benign. Last evaluated: 2019-02-13. Review status: criteria provided, single submitter. Criteria: ACMG Guidelines, 2015. Collection method: clinical testing. Allele origin: germline. Observed: 7 variant alleles.

ARUP Laboratories, Molecular Genetics and Genomics, ARUP Laboratories
Classification: Benign. Last evaluated: 2018-08-09. Review status: criteria provided, single submitter. Criteria: ARUP Molecular Germline Variant Investigation Process. Collection method: clinical testing. Allele origin: germline.

GeneDx
Classification: Benign. Last evaluated: 2017-09-12. Review status: criteria provided, single submitter. Criteria: GeneDx Variant Classification (06012015). Collection method: clinical testing. Allele origin: germline. Affected: yes.
Comment: This variant is considered likely benign or benign based on one or more of the following criteria: it is a conservative change, it occurs at a poorly conserved position in the protein, it is predicted to be benign by multiple in silico algorithms, and/or has population frequency not consistent with disease.

Breakthrough Genomics
Classification: Likely benign. Review status: criteria provided, single submitter. Criteria: ACMG Guidelines, 2015. Collection method: not provided. Allele origin: germline. Inheritance: Autosomal recessive inheritance. Affected: yes.

Molecular Genetics Laboratory, London Health Sciences Centre
Classification: Likely benign for Charcot-Marie-Tooth disease. Review status: criteria provided, single submitter. Criteria: ACMG Guidelines, 2015. Collection method: clinical testing. Allele origin: germline. Affected: yes.

NM_002180.3(IGHMBP2):c.1294G>A (p.Ala432Thr)

Gene: IGHMBP2 (immunoglobulin mu DNA binding protein 2; plus strand). Cytogenetic location: 11q13.3.
Variant type: single nucleotide variant.
Coding change: c.1294G>A on transcript NM_002180.3 (MANE Select); coding-DNA position 1294, G replaced by A.
Protein change: p.Ala432Thr; replaces alanine 432 with threonine.
Molecular consequence: missense variant.
Genome position (GRCh38, 1-based): chr11:68,933,357, G>A. VCF-style: chr11-68933357-G-A. GRCh37 (hg19) VCF-style: chr11-68700825-G-A.
Other names: short protein forms A432T.
Identifiers: ClinVar variation 386157 (VCV000386157.51), dbSNP rs116012780, ClinGen allele CA6153595.